The following is an entry in ClinVar:

ClinVar aggregate classification (germline): Uncertain significance (1 of 4 stars; one submission).

gnomAD v4.1: 19 of 1,613,632 alleles (0.0012%); highest among the groups gnomAD compares: East Asian, 0.0022%; no homozygotes.

Submission:

GeneDx
Classification: Uncertain significance. Last evaluated: 2024-10-11. Review status: criteria provided, single submitter. Criteria: GeneDx Variant Classification Process June 2021. Collection method: clinical testing. Allele origin: germline. Affected: yes.
Comment: Not observed at significant frequency in large population cohorts (gnomAD); In silico analysis supports that this missense variant has a deleterious effect on protein structure/function; Has not been previously published as pathogenic or benign to our knowledge

NM_005548.3(KARS1):c.443G>A (p.Arg148Gln)

Gene: KARS1 (lysyl-tRNA synthetase 1; minus strand). Cytogenetic location: 16q23.1.
Variant type: single nucleotide variant.
Coding change: c.443G>A on transcript NM_005548.3 (MANE Select); coding-DNA position 443, G replaced by A.
Protein change: p.Arg148Gln; replaces arginine 148 with glutamine.
Molecular consequence: missense variant. On other transcripts: 5 prime UTR variant (1).
Genome position (GRCh38, 1-based): chr16:75,636,493, C>T on the plus strand (G>A on the coding strand, the complement: KARS1 is on the minus strand). VCF-style: chr16-75636493-C-T. GRCh37 (hg19) VCF-style: chr16-75670391-C-T.
Other names: c.527G>A, p.Arg176Gln (NM_001130089.2); c.-26G>A (NM_001378148.1); short protein forms R148Q, R176Q.
Identifiers: ClinVar variation 3777391 (VCV003777391.1).